The following is an entry in ClinVar:

ClinVar aggregate classification (germline): Uncertain significance (1 of 4 stars; one submission).

Conditions:
Cortical dysplasia-focal epilepsy syndrome (PTHSL1). Also called: Pitt-Hopkins-like syndrome 1. Identifiers: Orphanet 163681, Orphanet 221150, MedGen C2750246, MONDO:0012400, OMIM 610042.

Allele frequency attached by ClinVar (database versions not stated): gnomAD exomes below 0.00001.
gnomAD v4.1: 1 of 1,614,110 alleles (0.000062%); highest among the groups gnomAD compares: East Asian, 0.0022%; no homozygotes.

Submission:

Labcorp Genetics (formerly Invitae), Labcorp
Classification: Uncertain significance for Cortical dysplasia-focal epilepsy syndrome. Last evaluated: 2024-02-24. Review status: criteria provided, single submitter. Criteria: Invitae Variant Classification Sherloc (09022015). Collection method: clinical testing. Allele origin: germline.
Comment: This sequence change replaces alanine, which is neutral and non-polar, with valine, which is neutral and non-polar, at codon 1021 of the CNTNAP2 protein (p.Ala1021Val). This variant is present in population databases (no rsID available, gnomAD 0.006%). This variant has not been reported in the literature in individuals affected with CNTNAP2-related conditions. ClinVar contains an entry for this variant (Variation ID: 1407961). An algorithm developed to predict the effect of missense changes on protein structure and function (PolyPhen-2) suggests that this variant is likely to be tolerated. In summary, the available evidence is currently insufficient to determine the role of this variant in disease. Therefore, it has been classified as a Variant of Uncertain Significance.

NM_014141.6(CNTNAP2):c.3062C>T (p.Ala1021Val)

Gene: CNTNAP2 (contactin associated protein 2; plus strand). Cytogenetic location: 7q36.1.
Variant type: single nucleotide variant.
Coding change: c.3062C>T on transcript NM_014141.6 (MANE Select); coding-DNA position 3062, C replaced by T.
Protein change: p.Ala1021Val; replaces alanine 1021 with valine.
Molecular consequence: missense variant.
Genome position (GRCh38, 1-based): chr7:148,217,339, C>T. VCF-style: chr7-148217339-C-T. GRCh37 (hg19) VCF-style: chr7-147914431-C-T.
Other names: short protein forms A1021V.
Identifiers: ClinVar variation 1407961 (VCV001407961.10), dbSNP rs1162286634, ClinGen allele CA369929160.